The following is an entry in ClinVar:

ClinVar aggregate classification (germline): Uncertain significance (1 of 4 stars; one submission).

Conditions:
MASP1-related disorder. Also called: MASP1-related condition.

gnomAD v4.1: 7 of 1,614,058 alleles (0.00043%); highest among the groups gnomAD compares: Admixed American, 0.0017%; no homozygotes.

Submission:

PreventionGenetics, part of Exact Sciences
Classification: Uncertain significance for MASP1-related condition. Last evaluated: 2025-01-24. Review status: criteria provided, single submitter. Criteria: ACMG Guidelines, 2015. Collection method: clinical testing. Allele origin: germline.
Comment: The MASP1 c.1126G>A variant is predicted to result in the amino acid substitution p.Gly376Arg. To our knowledge, this variant has not been reported in the literature or in a large population database (gnomAD), indicating this variant is rare. At this time, the clinical significance of this variant is uncertain due to the absence of conclusive functional and genetic evidence.

NM_139125.4(MASP1):c.1126G>A (p.Gly376Arg)

Gene: MASP1 (MBL associated serine protease 1; minus strand). Cytogenetic location: 3q27.3.
Variant type: single nucleotide variant.
Coding change: c.1126G>A on transcript NM_139125.4 (MANE Select); coding-DNA position 1126, G replaced by A.
Protein change: p.Gly376Arg; replaces glycine 376 with arginine.
Molecular consequence: missense variant. On other transcripts: non-coding transcript variant (1).
Genome position (GRCh38, 1-based): chr3:187,243,586, C>T on the plus strand (G>A on the coding strand, the complement: MASP1 is on the minus strand). VCF-style: chr3-187243586-C-T. GRCh37 (hg19) VCF-style: chr3-186961374-C-T.
Other names: c.1126G>A, p.Gly376Arg (NM_001879.6); short protein forms G376R.
Identifiers: ClinVar variation 4999901 (VCV004999901.1), dbSNP rs139378189.
Genomic context (GRCh38, chr3:187,243,586, plus strand): 5'-AGTATTTGATCTCAGACTTGTATGTGGTGAGGTTGTTCCTTGTAGAGAAGGTGATCAGCC[C>T]GTGTTCCAGCTCTCCTGGGGCTCTACAGTCTACAACTGAGAGAGAAGAAGTGAGACCCCT-3'
Protein context (NP_624302.1, residues 366-386): DCRAPGELEH[Gly376Arg]LITFSTRNNL